The following is an entry in ClinVar:

ClinVar aggregate classification (germline): Uncertain significance (1 of 4 stars; one submission).

Conditions:
Charcot-Marie-Tooth disease type 2R. Also called: CHARCOT-MARIE-TOOTH DISEASE, AXONAL, AUTOSOMAL RECESSIVE, TYPE 2R; Charcot-Marie-Tooth disease, axonal, type 2R; CHARCOT-MARIE-TOOTH NEUROPATHY, TYPE 2R. Identifiers: Orphanet 397968, MedGen C3809655, MONDO:0014208, OMIM 615490.

Submission:

Labcorp Genetics (formerly Invitae), Labcorp
Classification: Uncertain significance for Charcot-Marie-Tooth disease type 2R. Last evaluated: 2021-12-07. Review status: criteria provided, single submitter. Criteria: Invitae Variant Classification Sherloc (09022015). Collection method: clinical testing. Allele origin: germline.
Comment: This sequence change replaces asparagine, which is neutral and polar, with serine, which is neutral and polar, at codon 80 of the TRIM2 protein (p.Asn80Ser). This variant is not present in population databases (gnomAD no frequency). This variant has not been reported in the literature in individuals affected with TRIM2-related conditions. ClinVar contains an entry for this variant (Variation ID: 967401). Algorithms developed to predict the effect of missense changes on protein structure and function (SIFT, PolyPhen-2, Align-GVGD) all suggest that this variant is likely to be disruptive. In summary, the available evidence is currently insufficient to determine the role of this variant in disease. Therefore, it has been classified as a Variant of Uncertain Significance.

NM_015271.5(TRIM2):c.320A>G (p.Asn107Ser)

Gene: TRIM2 (tripartite motif containing 2; plus strand). Cytogenetic location: 4q31.3.
Variant type: single nucleotide variant.
Coding change: c.320A>G on transcript NM_015271.5 (MANE Select); coding-DNA position 320, A replaced by G.
Protein change: p.Asn107Ser; replaces asparagine 107 with serine.
Molecular consequence: missense variant. On other transcripts: 5 prime UTR variant (4).
Genome position (GRCh38, 1-based): chr4:153,275,997, A>G. VCF-style: chr4-153275997-A-G. GRCh37 (hg19) VCF-style: chr4-154197149-A-G.
Other names: c.239A>G, p.Asn80Ser (NM_001130067.2, NM_001351056.2, NM_001375512.1 and 5 more transcripts); c.320A>G, p.Asn107Ser (NM_001302692.2, NM_001375488.1, NM_001375490.1 and 1 more transcripts); c.317A>G, p.Asn106Ser (NM_001302693.2, NM_001375489.1, NM_001375491.1 and 1 more transcripts); c.293A>G, p.Asn98Ser (NM_001302694.2, NM_001351054.2); c.290A>G, p.Asn97Ser (NM_001351055.2); c.-238A>G (NM_001351057.2); c.-20A>G (NM_001375522.1, NM_001375523.1, NM_001375525.1); short protein forms N106S, N107S, N97S, N80S, N98S.
Identifiers: ClinVar variation 967401 (VCV000967401.3), dbSNP rs1757940364, ClinGen allele CA358470059.